The following is an entry in ClinVar:

ClinVar aggregate classification (germline): Uncertain significance. Review status: criteria provided, multiple submitters, no conflicts (2 of 4 stars). 3 submissions from 3 submitters: Uncertain significance (3). Last evaluated 2023-04-20.

Allele frequency attached by ClinVar (database versions not stated): ExAC 0.00002; gnomAD exomes 0.00002; gnomAD 0.00003; TOPMed 0.00005.
gnomAD v4.1: 28 of 1,613,714 alleles (0.0017%); highest among the groups gnomAD compares: Admixed American, 0.0083%; no homozygotes.

Submissions (3):

GeneDx
Classification: Uncertain significance. Last evaluated: 2023-04-20. Review status: criteria provided, single submitter. Criteria: GeneDx Variant Classification Process June 2021. Collection method: clinical testing. Allele origin: germline. Affected: yes.
Comment: In silico analysis supports that this missense variant does not alter protein structure/function; Has not been previously published as pathogenic or benign to our knowledge

Labcorp Genetics (formerly Invitae), Labcorp
Classification: Uncertain significance. Last evaluated: 2022-08-08. Review status: criteria provided, single submitter. Criteria: Invitae Variant Classification Sherloc (09022015). Collection method: clinical testing. Allele origin: germline.
Comment: In summary, the available evidence is currently insufficient to determine the role of this variant in disease. Therefore, it has been classified as a Variant of Uncertain Significance. Algorithms developed to predict the effect of missense changes on protein structure and function output the following: SIFT: "Deleterious"; PolyPhen-2: "Benign"; Align-GVGD: "Class C0". The histidine amino acid residue is found in multiple mammalian species, which suggests that this missense change does not adversely affect protein function. This variant has not been reported in the literature in individuals affected with HSPG2-related conditions. This variant is present in population databases (rs747660804, gnomAD 0.003%). This sequence change replaces arginine, which is basic and polar, with histidine, which is basic and polar, at codon 3141 of the HSPG2 protein (p.Arg3141His).

Revvity Omics, Revvity
Classification: Uncertain significance. Last evaluated: 2019-02-26. Review status: criteria provided, single submitter. Criteria: ACMG Guidelines, 2015. Collection method: clinical testing. Allele origin: germline.

NM_005529.7(HSPG2):c.9422G>A (p.Arg3141His)

Gene: HSPG2 (heparan sulfate proteoglycan 2; minus strand). Cytogenetic location: 1p36.12.
Variant type: single nucleotide variant.
Coding change: c.9422G>A on transcript NM_005529.7 (MANE Select); coding-DNA position 9422, G replaced by A.
Protein change: p.Arg3141His; replaces arginine 3141 with histidine.
Molecular consequence: missense variant.
Genome position (GRCh38, 1-based): chr1:21,841,192, C>T on the plus strand (G>A on the coding strand, the complement: HSPG2 is on the minus strand). VCF-style: chr1-21841192-C-T. GRCh37 (hg19) VCF-style: chr1-22167685-C-T.
Other names: c.9425G>A, p.Arg3142His (NM_001291860.2); c.9422G>A (NM_005529.5); short protein forms R3142H, R3141H.
Identifiers: ClinVar variation 1906952 (VCV001906952.9), dbSNP rs747660804, ClinGen allele CA670450.